The following is an entry in ClinVar:

NM_001371596.2(MFSD8):c.442A>G (p.Asn148Asp)

Gene: MFSD8 (major facilitator superfamily domain containing 8; minus strand). Cytogenetic location: 4q28.2.
Variant type: single nucleotide variant.
Coding change: c.442A>G on transcript NM_001371596.2 (MANE Select); coding-DNA position 442, A replaced by G.
Protein change: p.Asn148Asp; replaces asparagine 148 with aspartic acid.
Molecular consequence: missense variant. On other transcripts: intron variant (4).
Genome position (GRCh38, 1-based): chr4:127,942,156, T>C on the plus strand (A>G on the coding strand, the complement: MFSD8 is on the minus strand). VCF-style: chr4-127942156-T-C. GRCh37 (hg19) VCF-style: chr4-128863311-T-C.
Other names: p.N148D:AAT>GAT; c.442A>G, p.Asn148Asp (NM_001363520.3, NM_001371591.2, NM_001371592.2 and 2 more transcripts); c.307A>G, p.Asn103Asp (NM_001371590.2, NM_001371595.1); c.304+1596A>G (NM_001410765.1); c.439+1596A>G (NM_001363521.3, NM_001410766.1, NM_001371593.2); short protein forms N148D, N103D.
Identifiers: ClinVar variation 206150 (VCV000206150.5), dbSNP rs796052742, ClinGen allele CA315962.

ClinVar aggregate classification (germline): Likely pathogenic. Review status: criteria provided, single submitter (1 of 4 stars). 2 submissions from 2 submitters: Likely pathogenic (1). 1 of the submissions does not count toward it. Last evaluated 2013-09-16.

Conditions:
Late-infantile neuronal ceroid lipofuscinosis. Also called: Jansky-Bielschowsky disease. Identifiers: MedGen C0022340, MONDO:0015674.

Allele frequency attached by ClinVar (database versions not stated): TOPMed below 0.00001; gnomAD 0.00001.
gnomAD v4.1: 1 of 1,606,302 alleles (0.000062%); highest among the groups gnomAD compares: Non-Finnish European, 0.000085%; no homozygotes.

Submissions (2):

GeneDx
Classification: Likely pathogenic. Last evaluated: 2013-09-16. Review status: criteria provided, single submitter. Criteria: GeneDx Variant Classification (06012015). Collection method: clinical testing. Allele origin: germline. Affected: yes.
Comment: p.Asn148Asp (AAT>GAT): c.442 A>G in exon 6 of the MFSD8 gene (NM_152778.2). The Asn148Asp missense change has not been published as a mutation, nor has it been reported as a benign polymorphism to our knowledge. It was not observed in approximately 6,500 individuals of European and African American ancestry in the NHLBI Exome Sequencing Project, indicating it is not a common benign variant in these populations. The amino acid substitution is non-conservative as an uncharged Asparagine residue is replaced by a negatively charged Aspartic acid residue. Asn148Asp alters a highly conserved position in the fourth transmembrane domain of the MSFD8 protein and another missense mutation in the same region of the protein (Arg139His) has been published in association with late-infantile neuronal ceroid lipofuscinosis (Kousi et al., 2009). In addition, in-silico analysis predict Asn148Asp may be damaging to the structure/function of the protein. Therefore, based on the currently available information, Asn148Asp is a strong candidate for being a pathogenic mutation, although the possibility that it is a benign variant cannot be excluded. The variant is found in EPILEPSY panel(s).

Natera, Inc.
Classification: Uncertain significance for Late-infantile neuronal ceroid lipofuscinosis. Last evaluated: 2025-05-06. Review status: no assertion criteria provided. Collection method: clinical testing. Allele origin: germline. Not counted in ClinVar's aggregate classification.